The following is an entry in ClinVar:

NM_001567.4(INPPL1):c.1994G>T (p.Arg665Leu)

Gene: INPPL1 (inositol polyphosphate phosphatase like 1; plus strand). Cytogenetic location: 11q13.4.
Variant type: single nucleotide variant.
Coding change: c.1994G>T on transcript NM_001567.4 (MANE Select); coding-DNA position 1994, G replaced by T.
Protein change: p.Arg665Leu; replaces arginine 665 with leucine.
Molecular consequence: missense variant.
Genome position (GRCh38, 1-based): chr11:72,233,117, G>T. VCF-style: chr11-72233117-G-T. GRCh37 (hg19) VCF-style: chr11-71944161-G-T.
Other names: short protein forms R665L.
Identifiers: ClinVar variation 1348327 (VCV001348327.8), dbSNP rs755180843, ClinGen allele CA381730690.

ClinVar aggregate classification (germline): Uncertain significance (1 of 4 stars; one submission).

Submission:

Labcorp Genetics (formerly Invitae), Labcorp
Classification: Uncertain significance. Last evaluated: 2021-07-14. Review status: criteria provided, single submitter. Criteria: Invitae Variant Classification Sherloc (09022015). Collection method: clinical testing. Allele origin: germline.
Comment: This sequence change replaces arginine with leucine at codon 665 of the INPPL1 protein (p.Arg665Leu). The arginine residue is highly conserved and there is a moderate physicochemical difference between arginine and leucine. This variant is not present in population databases (ExAC no frequency). This variant has not been reported in the literature in individuals affected with INPPL1-related conditions. Algorithms developed to predict the effect of missense changes on protein structure and function are either unavailable or do not agree on the potential impact of this missense change (SIFT: "Tolerated"; PolyPhen-2: "Probably Damaging"; Align-GVGD: "Class C0"). In summary, the available evidence is currently insufficient to determine the role of this variant in disease. Therefore, it has been classified as a Variant of Uncertain Significance.